The following is an entry in ClinVar:

ClinVar aggregate classification (germline): Conflicting classifications of pathogenicity. Review status: criteria provided, conflicting classifications (1 of 4 stars). 5 submissions from 5 submitters: Uncertain significance (1); Likely benign (4). Last evaluated 2026-09-11.

Conditions:
AARS1-related disorder. Also called: AARS1-related condition.
Charcot-Marie-Tooth disease type 2. Also called: Charcot-Marie-Tooth type 2. Identifiers: Orphanet 64746, MedGen C0270914, MONDO:0018993.
Charcot-Marie-Tooth disease axonal type 2N (CMT2N). Also called: Charcot-Marie-Tooth Neuropathy Type 2N; CHARCOT-MARIE-TOOTH DISEASE, AXONAL, AUTOSOMAL DOMINANT, TYPE 2N; CHARCOT-MARIE-TOOTH NEUROPATHY, AXONAL, TYPE 2N. Identifiers: Orphanet 228174, MedGen C2750090, MONDO:0013212, OMIM 613287.

Allele frequency attached by ClinVar (database versions not stated): ExAC 0.00003; ESP Exome Variant Server 0.00008; gnomAD exomes 0.00008 and 0.00024; TOPMed 0.00012; gnomAD 0.00019.
gnomAD v4.1: 365 of 1,606,686 alleles (0.023%); highest among the groups gnomAD compares: Non-Finnish European, 0.03%; 1 homozygote.

Submissions (5):

PreventionGenetics, part of Exact Sciences
Classification: Likely benign for AARS1-related condition. Last evaluated: 2026-09-11. Review status: criteria provided, single submitter. Criteria: ACMG Guidelines, 2015. Collection method: clinical testing. Allele origin: germline.
Comment: This variant is classified as likely benign based on ACMG/AMP sequence variant interpretation guidelines (Richards et al. 2015 PMID: 25741868, with internal and published modifications).

Labcorp Genetics (formerly Invitae), Labcorp
Classification: Likely benign for Charcot-Marie-Tooth disease type 2. Last evaluated: 2026-02-03. Review status: criteria provided, single submitter. Criteria: Invitae Variant Classification Sherloc (09022015). Collection method: clinical testing. Allele origin: germline.

Women's Health and Genetics/Laboratory Corporation of America, LabCorp
Classification: Likely benign. Last evaluated: 2025-04-30. Review status: criteria provided, single submitter. Criteria: LabCorp Variant Classification Summary - May 2015. Collection method: clinical testing. Allele origin: germline.
Comment: Variant summary: AARS1 c.1493-7T>C alters a nucleotide located at a position not widely known to affect splicing. Consensus agreement among computation tools predict no significant impact on normal splicing. However, these predictions have yet to be confirmed by functional studies. The variant was absent in 280478 control chromosomes (gnomAD). The available data on variant occurrences in the general population are insufficient to allow any conclusion about variant significance. To our knowledge, no occurrence of c.1493-7T>C in individuals affected with Developmental and epileptic encephalopathy, 29 and no experimental evidence demonstrating its impact on protein function have been reported. ClinVar contains an entry for this variant (Variation ID: 320341). Based on the evidence outlined above, the variant was classified as likely benign.

Blueprint Genetics
Classification: Likely benign. Last evaluated: 2023-12-28. Review status: criteria provided, single submitter. Criteria: ACMG Guidelines, 2015. Collection method: clinical testing. Allele origin: germline.

Illumina Laboratory Services, Illumina
Classification: Uncertain significance for Charcot-Marie-Tooth disease axonal type 2N. Last evaluated: 2018-01-12. Review status: criteria provided, single submitter. Criteria: ICSL Variant Classification Criteria 13 December 2019. Collection method: clinical testing. Allele origin: germline.

NM_001605.3(AARS1):c.1493-7T>C

Gene: AARS1 (alanyl-tRNA synthetase 1; minus strand). Cytogenetic location: 16q22.1.
Variant type: single nucleotide variant.
Coding change: c.1493-7T>C on transcript NM_001605.3 (MANE Select); 7 bases into the intron before coding-DNA position 1493, T replaced by C.
Molecular consequence: intron variant.
Genome position (GRCh38, 1-based): chr16:70,262,531, A>G on the plus strand (T>C on the coding strand, the complement: AARS1 is on the minus strand). VCF-style: chr16-70262531-A-G. GRCh37 (hg19) VCF-style: chr16-70296434-A-G.
Identifiers: ClinVar variation 320341 (VCV000320341.20), dbSNP rs376087556, ClinGen allele CA8140776.